The following is an entry in ClinVar:

NM_004360.5(CDH1):c.521del (p.Asn174fs)

Gene: CDH1 (cadherin 1; plus strand). Cytogenetic location: 16q22.1.
Variant type: Deletion.
Coding change: c.521del on transcript NM_004360.5 (MANE Select); coding-DNA position 521, one base deleted (A; older notation c.521delA).
Protein change: p.Asn174fs; shifts the reading frame from asparagine 174.
Molecular consequence: frameshift variant. On other transcripts: 5 prime UTR variant (2).
Genome position (GRCh38, 1-based): chr16:68,808,557, A deleted; the last of 5 consecutive A bases (chr16:68,808,553-68,808,557); deleting any one gives the same sequence. VCF-style (leftmost placement, unchanged base first): chr16-68808552-TA-T. GRCh37 (hg19) VCF-style: chr16-68842455-TA-T.
Other names: c.521del, p.Asn174fs (NM_001317184.2); c.-1095del (NM_001317185.2); c.-1299del (NM_001317186.2); short protein forms N174fs.
Identifiers: ClinVar variation 2502919 (VCV002502919.2), dbSNP rs587781290, ClinGen allele CA2580612848.
Genomic context (GRCh38, chr16:68,808,552, plus strand): 5'-GAAGAGAGACTGGGTTATTCCTCCCATCAGCTGCCCAGAAAATGAAAAAGGCCCATTTCC[TA>T]AAAACCTGGTTCAGGTAGAGAAAGAAGTTCTCTGTTTCTCTGGGAGGGATTTGGCAGAGA-3'

ClinVar aggregate classification (germline): Pathogenic. Review status: criteria provided, multiple submitters, no conflicts (2 of 4 stars). 2 submissions from 2 submitters: Pathogenic (2). Last evaluated 2025-12-30.

Conditions:
CDH1-related diffuse gastric and lobular breast cancer syndrome. Also called: CDH1-related diffuse gastric and lobular breast cancer. Identifiers: MedGen CN311521, MONDO:0100488.
Hereditary diffuse gastric adenocarcinoma (HDGC). Also called: DIFFUSE GASTRIC AND LOBULAR BREAST CANCER SYNDROME. Identifiers: Orphanet 26106, MedGen C1708349, MONDO:0007648, OMIM 137215.

Submissions (2):

Clinical Genetics Laboratory, Skane University Hospital Lund
Classification: Pathogenic for CDH1-related diffuse gastric and lobular breast cancer syndrome. Last evaluated: 2025-12-30. Review status: criteria provided, single submitter. Criteria: ACMG Guidelines, 2015. Collection method: clinical testing. Allele origin: germline. Inheritance: Autosomal dominant inheritance.
Comment: Criteria applied according to the ClinGen CDH1 Expert Panel Specifications to the ACMG/AMP Variant Interpretation Guidelines Version 3.1: PVS1, PS4_supporting, PM2_supporting.

European Reference Network on Genetic Tumour Risk Syndromes (ERN-GENTURIS), i3s - Instituto de Investigação e Inovação em Saúde, University of Porto
Classification: Pathogenic for Hereditary diffuse gastric adenocarcinoma. Last evaluated: 2022-08-01. Review status: criteria provided, single submitter. Criteria: Lee et al. (Hum Mutat. 2018). Collection method: clinical testing. Allele origin: germline. Inheritance: Autosomal dominant inheritance. Affected: yes. Study: ERN GENTURIS.
Comment: PVS1; PS4_Supporting; PM2 (PMID: 30311375)

Literature cited by the submitters: PubMed 36436516 (cited by European Reference Network on Genetic Tumour Risk Syndromes (ERN-GENTURIS), i3s - Instituto de Investigação e Inovação em Saúde, University of Porto).